The following is an entry in ClinVar:

NC_000007.13:g.(?_30054351)_(30963244_?)del

Genes: AQP1 (aquaporin 1 (Colton blood group); plus strand), CRHR2 (corticotropin releasing hormone receptor 2; minus strand), FKBP14 (FKBP prolyl isomerase 14; minus strand), GARS1 (glycyl-tRNA synthetase 1; plus strand), GGCT (gamma-glutamylcyclotransferase; minus strand) and 6 more. Cytogenetic location: 7p14.3.
Variant type: Deletion.
Identifiers: ClinVar variation 3245829 (VCV003245829.1).

ClinVar aggregate classification (germline): Uncertain significance (1 of 4 stars; one submission).

Conditions:
Charcot-Marie-Tooth disease type 2. Also called: Charcot-Marie-Tooth type 2. Identifiers: Orphanet 64746, MedGen C0270914, MONDO:0018993.

Submission:

Labcorp Genetics (formerly Invitae), Labcorp
Classification: Uncertain significance for Charcot-Marie-Tooth disease type 2. Last evaluated: 2023-11-24. Review status: criteria provided, single submitter. Criteria: Invitae Variant Classification Sherloc (09022015). Collection method: clinical testing. Allele origin: unknown.
Comment: A gross deletion of the genomic region encompassing the full coding sequence of the GARS gene has been identified. The current clinical and genetic evidence is not sufficient to establish whether loss-of-function variants in GARS cause disease. The boundaries of this event are unknown as they extend beyond the assayed region for this gene and therefore may encompass additional genes. This variant has not been reported in the literature in individuals affected with GARS-related conditions. In summary, the available evidence is currently insufficient to determine the role of this variant in disease. Therefore, it has been classified as a Variant of Uncertain Significance.